The following is an entry in ClinVar:

ClinVar aggregate classification (germline): Uncertain significance. Review status: criteria provided, multiple submitters, no conflicts (2 of 4 stars). 6 submissions from 5 submitters: Uncertain significance (6). Last evaluated 2026-04-01.

Conditions:
Inborn genetic diseases. Identifiers: MedGen C0950123, MeSH D030342.
Charcot-Marie-Tooth disease dominant intermediate B (CMTDIB). Also called: Charcot-Marie-Tooth disease dominant intermediate 1; CMT DI1; Charcot-Marie-Tooth disease dominant intermediate I; CHARCOT-MARIE-TOOTH NEUROPATHY, DOMINANT INTERMEDIATE B. Identifiers: Orphanet 100044, Orphanet 228179, MedGen C1847902, MONDO:0011674, OMIM 606482.
Autosomal dominant centronuclear myopathy. Also called: MYOTUBULAR MYOPATHY, AUTOSOMAL DOMINANT; Myopathy, centronuclear, 3. Identifiers: Orphanet 169189, MedGen C4551952, MeSH D020914, MONDO:0008048, OMIM 160150.

Allele frequency attached by ClinVar (database versions not stated): gnomAD 0.00001; gnomAD exomes 0.00001 and 0.00002; TOPMed 0.00003.
gnomAD v4.1: 30 of 1,613,484 alleles (0.0019%); highest among the groups gnomAD compares: East Asian, 0.0067%; no homozygotes.

Submissions (6):

CeGaT Center for Human Genetics Tuebingen
Classification: Uncertain significance. Last evaluated: 2026-04-01. Review status: criteria provided, single submitter. Criteria: CeGaT Center For Human Genetics Tuebingen Variant Classification Criteria Version 2. Collection method: clinical testing. Allele origin: germline. Affected: yes. Observed: 1 variant allele.

GeneDx
Classification: Uncertain significance. Last evaluated: 2024-07-23. Review status: criteria provided, single submitter. Criteria: GeneDx Variant Classification Process June 2021. Collection method: clinical testing. Allele origin: germline. Affected: yes.
Comment: In silico analysis supports that this missense variant has a deleterious effect on protein structure/function; Has not been previously published as pathogenic or benign to our knowledge; This variant is associated with the following publications: (PMID: 16227997)

Labcorp Genetics (formerly Invitae), Labcorp
Classification: Uncertain significance for Charcot-Marie-Tooth disease dominant intermediate B. Last evaluated: 2024-01-29. Review status: criteria provided, single submitter. Criteria: Invitae Variant Classification Sherloc (09022015). Collection method: clinical testing. Allele origin: germline.
Comment: This sequence change replaces aspartic acid, which is acidic and polar, with asparagine, which is neutral and polar, at codon 270 of the DNM2 protein (p.Asp270Asn). This variant is present in population databases (no rsID available, gnomAD 0.007%). This variant has not been reported in the literature in individuals affected with DNM2-related conditions. ClinVar contains an entry for this variant (Variation ID: 888711). Advanced modeling of protein sequence and biophysical properties (such as structural, functional, and spatial information, amino acid conservation, physicochemical variation, residue mobility, and thermodynamic stability) has been performed at Invitae for this missense variant, however the output from this modeling did not meet the statistical confidence thresholds required to predict the impact of this variant on DNM2 protein function. In summary, the available evidence is currently insufficient to determine the role of this variant in disease. Therefore, it has been classified as a Variant of Uncertain Significance.

Ambry Genetics
Classification: Uncertain significance for Inborn genetic diseases. Last evaluated: 2023-03-13. Review status: criteria provided, single submitter. Criteria: Ambry Variant Classification Scheme 2023. Collection method: clinical testing. Allele origin: germline.

Illumina Laboratory Services, Illumina
Classification: Uncertain significance for Autosomal dominant centronuclear myopathy. Last evaluated: 2018-01-15. Review status: criteria provided, single submitter. Criteria: ICSL Variant Classification Criteria 13 December 2019. Collection method: clinical testing. Allele origin: germline.

Illumina Laboratory Services, Illumina
Classification: Uncertain significance for Charcot-Marie-Tooth disease dominant intermediate B. Last evaluated: 2018-01-15. Review status: criteria provided, single submitter. Criteria: ICSL Variant Classification Criteria 13 December 2019. Collection method: clinical testing. Allele origin: germline.

NM_001005361.3(DNM2):c.808G>A (p.Asp270Asn)

Gene: DNM2 (dynamin 2; plus strand). Cytogenetic location: 19p13.2.
Variant type: single nucleotide variant.
Coding change: c.808G>A on transcript NM_001005361.3 (MANE Select); coding-DNA position 808, G replaced by A.
Protein change: p.Asp270Asn; replaces aspartic acid 270 with asparagine.
Molecular consequence: missense variant.
Genome position (GRCh38, 1-based): chr19:10,783,079, G>A. VCF-style: chr19-10783079-G-A. GRCh37 (hg19) VCF-style: chr19-10893755-G-A.
Other names: c.808G>A, p.Asp270Asn (NM_001005360.3, NM_001005362.3, NM_001190716.2 and 1 more transcripts); short protein forms D270N.
Identifiers: ClinVar variation 888711 (VCV000888711.17), dbSNP rs1217925152, ClinGen allele CA404045343.